The following is an entry in ClinVar:

ClinVar aggregate classification (germline): Likely benign. Review status: criteria provided, multiple submitters, no conflicts (2 of 4 stars). 3 submissions from 3 submitters: Likely benign (3). Last evaluated 2018-04-25.

Allele frequency attached by ClinVar (database versions not stated): gnomAD exomes 0.00006; gnomAD 0.00056 and 0.00057; 1000 Genomes Project 30x 0.00062; TOPMed 0.00070.
gnomAD v4.1: 154 of 1,130,466 alleles (0.014%); highest among the groups gnomAD compares: African/African-American, 0.22%; 2 homozygotes.

Submissions (3):

Labcorp Genetics (formerly Invitae), Labcorp
Classification: Likely benign. Last evaluated: 2018-04-25. Review status: criteria provided, single submitter. Criteria: Invitae Variant Classification Sherloc (09022015). Collection method: clinical testing. Allele origin: germline.

GeneDx
Classification: Likely benign. Last evaluated: 2017-12-18. Review status: criteria provided, single submitter. Criteria: GeneDx Variant Classification (06012015). Collection method: clinical testing. Allele origin: germline. Affected: yes.
Comment: This variant is considered likely benign or benign based on one or more of the following criteria: it is a conservative change, it occurs at a poorly conserved position in the protein, it is predicted to be benign by multiple in silico algorithms, and/or has population frequency not consistent with disease.

Breakthrough Genomics
Classification: Likely benign. Review status: criteria provided, single submitter. Criteria: ACMG Guidelines, 2015. Collection method: not provided. Allele origin: germline. Inheritance: Autosomal recessive inheritance. Affected: yes.

NM_001085411.3(NADK2):c.99G>A (p.Ala33=)

Genes: NADK2 (NAD kinase 2, mitochondrial; minus strand), LOC129993801 (ATAC-STARR-seq lymphoblastoid silent region 15972; plus strand). Cytogenetic location: 5p13.2.
Variant type: single nucleotide variant.
Coding change: c.99G>A on transcript NM_001085411.3 (MANE Select); coding-DNA position 99, G replaced by A.
Protein change: p.Ala33=; no amino-acid change (alanine 33 retained).
Molecular consequence: synonymous variant. On other transcripts: intron variant (2).
Genome position (GRCh38, 1-based): chr5:36,241,700, C>T on the plus strand (G>A on the coding strand, the complement: NADK2 is on the minus strand). VCF-style: chr5-36241700-C-T. GRCh37 (hg19) VCF-style: chr5-36241802-C-T.
Other names: c.-190+396G>A (NM_153013.5, NM_001287341.2).
Identifiers: ClinVar variation 513595 (VCV000513595.5), dbSNP rs866610465, ClinGen allele CA117008046.
Genomic context (GRCh38, chr5:36,241,700, plus strand): 5'-GCGCGGCTGCCCCTGCCCCAGGTGCCGCCGGCCGCCACCGTCACCGCCCAGCCGGGGCCG[C>T]GCGGCGGGGCCTCCCGCACCCGGTCCCCGCAGCGCCGCCGCCCGGCCGCCCGCCACGCGA-3'
Protein context (NP_001078880.1, residues 23-43): LRGPGAGGPA[Ala33=]RPRLGGDGGG